The following is an entry in ClinVar:

NM_001144967.3(NEDD4L):c.1154C>T (p.Pro385Leu)

Gene: NEDD4L (NEDD4 like E3 ubiquitin protein ligase; plus strand). Cytogenetic location: 18q21.31.
Variant type: single nucleotide variant.
Coding change: c.1154C>T on transcript NM_001144967.3 (MANE Select); coding-DNA position 1154, C replaced by T.
Protein change: p.Pro385Leu; replaces proline 385 with leucine.
Molecular consequence: missense variant. On other transcripts: intron variant (1).
Genome position (GRCh38, 1-based): chr18:58,341,066, C>T. VCF-style: chr18-58341066-C-T. GRCh37 (hg19) VCF-style: chr18-56008298-C-T.
Other names: c.791C>T, p.Pro264Leu (NM_001144964.1, NM_001144965.2, NM_001144966.3); c.1130C>T, p.Pro377Leu (NM_001144968.2); c.1070C>T, p.Pro357Leu (NM_001144969.2); c.731C>T, p.Pro244Leu (NM_001144970.3, NM_001144971.2); c.1094C>T, p.Pro365Leu (NM_015277.6); c.1066-612C>T (NM_001243960.2); short protein forms P244L, P357L, P365L, P385L, P264L, P377L.
Identifiers: ClinVar variation 864689 (VCV000864689.10), dbSNP rs543506411, ClinGen allele CA8975604.
Genomic context (GRCh38, chr18:58,341,066, plus strand): 5'-TATTAAATAATAATGATTTCTTGCACAAACAGCCATCAGTGGCCTATGTACATACCACGC[C>T]GGGTCTGCCTTCAGGCTGGGAAGAAAGAAAAGATGCTAAGGGGCGCACATACTATGTCAA-3'
Protein context (NP_001138439.1, residues 375-395): TPSVAYVHTT[Pro385Leu]GLPSGWEERK

ClinVar aggregate classification (germline): Uncertain significance. Review status: criteria provided, multiple submitters, no conflicts (2 of 4 stars). 2 submissions from 2 submitters: Uncertain significance (2). Last evaluated 2025-09-26.

Conditions:
Inborn genetic diseases. Identifiers: MedGen C0950123, MeSH D030342.

Allele frequency attached by ClinVar (database versions not stated): ExAC 0.00001; TOPMed below 0.00001; gnomAD exomes 0.00001; 1000 Genomes Project 30x 0.00016; 1000 Genomes Project 0.00020; gnomAD 0.00001.
gnomAD v4.1: 14 of 1,610,820 alleles (0.00087%); highest among the groups gnomAD compares: African/African-American, 0.0027%; no homozygotes.

Submissions (2):

Ambry Genetics
Classification: Uncertain significance for Inborn genetic diseases. Last evaluated: 2025-09-26. Review status: criteria provided, single submitter. Criteria: Ambry Variant Classification Scheme 2023. Collection method: clinical testing. Allele origin: germline.

Labcorp Genetics (formerly Invitae), Labcorp
Classification: Uncertain significance. Last evaluated: 2024-12-02. Review status: criteria provided, single submitter. Criteria: Invitae Variant Classification Sherloc (09022015). Collection method: clinical testing. Allele origin: germline.
Comment: This sequence change replaces proline, which is neutral and non-polar, with leucine, which is neutral and non-polar, at codon 365 of the NEDD4L protein (p.Pro365Leu). The frequency data for this variant in the population databases is considered unreliable, as metrics indicate poor data quality at this position in the gnomAD database. This variant has not been reported in the literature in individuals affected with NEDD4L-related conditions. ClinVar contains an entry for this variant (Variation ID: 864689). Invitae Evidence Modeling of protein sequence and biophysical properties (such as structural, functional, and spatial information, amino acid conservation, physicochemical variation, residue mobility, and thermodynamic stability) indicates that this missense variant is not expected to disrupt NEDD4L protein function with a negative predictive value of 80%. In summary, the available evidence is currently insufficient to determine the role of this variant in disease. Therefore, it has been classified as a Variant of Uncertain Significance.